The following is an entry in ClinVar:

NM_000038.6(APC):c.-18-7763T>G

Gene: APC (APC regulator of WNT signaling pathway; plus strand). Cytogenetic location: 5q22.2.
Variant type: single nucleotide variant.
Coding change: c.-18-7763T>G on transcript NM_000038.6 (MANE Select); 7763 bases into the intron before 18 bases upstream of the start codon, T replaced by G.
Molecular consequence: intron variant.
Genome position (GRCh38, 1-based): chr5:112,747,110, T>G. VCF-style: chr5-112747110-T-G. GRCh37 (hg19) VCF-style: chr5-112082807-T-G.
Other names: c.-18-7763T>G (NM_001354895.2, NM_001127510.3, NM_001354896.2 and 2 more transcripts); c.166-19216T>G (NM_001354897.2, NM_001354902.2, NM_001127511.3); c.60+8650T>G (NM_001354898.2, NM_001354904.2); c.-1053-7763T>G (NM_001354906.2); c.-43+9185T>G (NM_001354900.2, NM_001354901.2, NM_001354905.2).
Identifiers: ClinVar variation 82352 (VCV000082352.2), dbSNP rs74798743, ClinGen allele CA006234.

ClinVar aggregate classification (germline): other (0 of 4 stars; one submission).

Conditions:
Familial colorectal cancer. Identifiers: MedGen CN280943, MONDO:0023113. Disease mechanism: loss of function.

Submission:

Systems Biology Platform Zhejiang California International NanoSystems Institute
Classification: other for Familial colorectal cancer. Review status: no assertion criteria provided. Collection method: not provided. Allele origin: unknown.
ClinVar note: Converted during submission from cancer to other.